The following is an entry in ClinVar:

ClinVar aggregate classification (germline): Uncertain significance. Review status: criteria provided, multiple submitters, no conflicts (2 of 4 stars). 3 submissions from 3 submitters: Uncertain significance (3). Last evaluated 2024-05-20.

Conditions:
Pyridoxine-dependent epilepsy (EPEO4). Also called: Pyridoxine-Dependent Seizures; Pyridoxine-Dependent Epilepsy - ALDH7A1; PYRIDOXINE DEPENDENCY WITH SEIZURES; EPILEPSY, EARLY-ONSET, 4, VITAMIN B6-DEPENDENT. Identifiers: Orphanet 3006, MedGen C1849508, MONDO:0009945, OMIM 266100. Disease mechanism: loss of function.

Allele frequency attached by ClinVar (database versions not stated): gnomAD exomes 0.00001; TOPMed 0.00003; gnomAD 0.00002 and 0.00003; ExAC 0.00001.
gnomAD v4.1: 23 of 1,613,872 alleles (0.0014%); highest among the groups gnomAD compares: South Asian, 0.0066%; no homozygotes.

Submissions (3):

Labcorp Genetics (formerly Invitae), Labcorp
Classification: Uncertain significance for Pyridoxine-dependent epilepsy. Last evaluated: 2024-05-20. Review status: criteria provided, single submitter. Criteria: Invitae Variant Classification Sherloc (09022015). Collection method: clinical testing. Allele origin: germline.
Comment: This sequence change replaces alanine, which is neutral and non-polar, with valine, which is neutral and non-polar, at codon 421 of the ALDH7A1 protein (p.Ala421Val). The frequency data for this variant in the population databases is considered unreliable, as metrics indicate poor data quality at this position in the gnomAD database. This missense change has been observed in individual(s) with clinical features of ALDH7A1-related conditions (PMID: 30043187). ClinVar contains an entry for this variant (Variation ID: 204845). Advanced modeling of protein sequence and biophysical properties (such as structural, functional, and spatial information, amino acid conservation, physicochemical variation, residue mobility, and thermodynamic stability) has been performed at Invitae for this missense variant, however the output from this modeling did not meet the statistical confidence thresholds required to predict the impact of this variant on ALDH7A1 protein function. In summary, the available evidence is currently insufficient to determine the role of this variant in disease. Therefore, it has been classified as a Variant of Uncertain Significance.

Genome-Nilou Lab
Classification: Uncertain significance for Pyridoxine-dependent epilepsy. Last evaluated: 2023-04-11. Review status: criteria provided, single submitter. Criteria: ACMG Guidelines, 2015. Collection method: clinical testing. Allele origin: germline. Affected: no.

GeneDx
Classification: Uncertain significance. Last evaluated: 2015-01-05. Review status: criteria provided, single submitter. Criteria: GeneDx Variant Classification (06012015). Collection method: clinical testing. Allele origin: germline. Affected: yes.
Comment: p.Ala421Val (GCG>GTG): c.1262 C>T in exon 14 of the ALDH7A1 gene (NM_001182.4). The A421V variant has not been published as a mutation, nor has it been reported as a benign polymorphism to our knowledge. It was not observed in approximately 6,500 individuals of European and African American ancestry in the NHLBI Exome Sequencing Project, indicating it is not a common benign variant in these populations. The A421V variant is a conservative amino acid substitution, which is not likely to impact secondary protein structure as these residues share similar properties. However, this substitution occurs at a position that is conserved across species and in silico analysis predicts this variant is probably damaging to the protein structure/function. Additionally, missense mutations in nearby residues (P411L, T426P, E427Q, E427G, E427D and P431L) have been reported in association with pyridoxine-dependent epilepsy, supporting the functional importance of this region of the protein. Therefore, based on the currently available information, it is unclear whether the A421V variant is a pathogenic mutation or a rare benign variant. The variant is found in EPILEPSY panel(s).

Literature cited by the submitters: PubMed 30043187 (cited by Labcorp Genetics (formerly Invitae), Labcorp).

NM_001182.5(ALDH7A1):c.1262C>T (p.Ala421Val)

Gene: ALDH7A1 (aldehyde dehydrogenase 7 family member A1; minus strand). Cytogenetic location: 5q23.2.
Variant type: single nucleotide variant.
Coding change: c.1262C>T on transcript NM_001182.5 (MANE Select); coding-DNA position 1262, C replaced by T.
Protein change: p.Ala421Val; replaces alanine 421 with valine.
Molecular consequence: missense variant.
Genome position (GRCh38, 1-based): chr5:126,552,076, G>A on the plus strand (C>T on the coding strand, the complement: ALDH7A1 is on the minus strand). VCF-style: chr5-126552076-G-A. GRCh37 (hg19) VCF-style: chr5-125887768-G-A.
Other names: p.A421V:GCG>GTG; c.1178C>T, p.Ala393Val (NM_001201377.2); c.1070C>T, p.Ala357Val (NM_001202404.2); short protein forms A421V, A393V, A357V.
Identifiers: ClinVar variation 204845 (VCV000204845.6), dbSNP rs753598402, ClinGen allele CA313197.